The following is an entry in ClinVar:

NM_022114.4(PRDM16):c.1996C>G (p.Pro666Ala)

Gene: PRDM16 (PR/SET domain 16; plus strand). Cytogenetic location: 1p36.32.
Variant type: single nucleotide variant.
Coding change: c.1996C>G on transcript NM_022114.4 (MANE Select); coding-DNA position 1996, C replaced by G.
Protein change: p.Pro666Ala; replaces proline 666 with alanine.
Molecular consequence: missense variant.
Genome position (GRCh38, 1-based): chr1:3,412,193, C>G. VCF-style: chr1-3412193-C-G. GRCh37 (hg19) VCF-style: chr1-3328757-C-G.
Other names: c.1996C>G, p.Pro666Ala (NM_199454.3); short protein forms P666A.
Identifiers: ClinVar variation 1372074 (VCV001372074.6), dbSNP rs2100663792, ClinGen allele CA337999461.

ClinVar aggregate classification (germline): Uncertain significance (1 of 4 stars; one submission).

Conditions:
Left ventricular noncompaction 8 (LVNC8). Identifiers: Orphanet 154, Orphanet 54260, MedGen C3809288, MONDO:0014152, OMIM 615373.

Submission:

Labcorp Genetics (formerly Invitae), Labcorp
Classification: Uncertain significance for Left ventricular noncompaction 8. Last evaluated: 2022-10-13. Review status: criteria provided, single submitter. Criteria: Invitae Variant Classification Sherloc (09022015). Collection method: clinical testing. Allele origin: germline.
Comment: In summary, the available evidence is currently insufficient to determine the role of this variant in disease. Therefore, it has been classified as a Variant of Uncertain Significance. Algorithms developed to predict the effect of missense changes on protein structure and function are either unavailable or do not agree on the potential impact of this missense change (SIFT: "Deleterious"; PolyPhen-2: "Benign"; Align-GVGD: "Class C25"). ClinVar contains an entry for this variant (Variation ID: 1372074). This variant has not been reported in the literature in individuals affected with PRDM16-related conditions. This variant is not present in population databases (gnomAD no frequency). This sequence change replaces proline, which is neutral and non-polar, with alanine, which is neutral and non-polar, at codon 666 of the PRDM16 protein (p.Pro666Ala).